The following is an entry in ClinVar:

NM_144670.6(A2ML1):c.4301A>G (p.Lys1434Arg)

Gene: A2ML1 (alpha-2-macroglobulin like 1; plus strand). Cytogenetic location: 12p13.31.
Variant type: single nucleotide variant.
Coding change: c.4301A>G on transcript NM_144670.6 (MANE Select); coding-DNA position 4301, A replaced by G.
Protein change: p.Lys1434Arg; replaces lysine 1434 with arginine.
Molecular consequence: missense variant.
Genome position (GRCh38, 1-based): chr12:8,874,504, A>G. VCF-style: chr12-8874504-A-G. GRCh37 (hg19) VCF-style: chr12-9027100-A-G.
Other names: c.2828A>G, p.Lys943Arg (NM_001282424.3); short protein forms K943R, K1434R.
Identifiers: ClinVar variation 1443045 (VCV001443045.10), dbSNP rs953122803, ClinGen allele CA232637615.
Genomic context (GRCh38, chr12:8,874,504, plus strand): 5'-CTTACACCTTCACCATCAGCCAAAGTGTGCTGGTCACCAACTTGAAACCAGCAACCATCA[A>G]GGTCTATGACTACTACCTACCAGGTGAGAGGGCTGAGCTGAAATGAGATCTGAGATCTTA-3'
Protein context (NP_653271.3, residues 1424-1444): LVTNLKPATI[Lys1434Arg]VYDYYLPDEQ

ClinVar aggregate classification (germline): Uncertain significance. Review status: criteria provided, multiple submitters, no conflicts (2 of 4 stars). 2 submissions from 2 submitters: Uncertain significance (2). Last evaluated 2024-07-11.

Allele frequency attached by ClinVar (database versions not stated): gnomAD exomes below 0.00001 and 0.00001; gnomAD 0.00001; TOPMed 0.00002.
gnomAD v4.1: 18 of 1,613,846 alleles (0.0011%); highest among the groups gnomAD compares: East Asian, 0.0022%; no homozygotes.

Submissions (2):

Labcorp Genetics (formerly Invitae), Labcorp
Classification: Uncertain significance. Last evaluated: 2024-07-11. Review status: criteria provided, single submitter. Criteria: Invitae Variant Classification Sherloc (09022015). Collection method: clinical testing. Allele origin: germline.
Comment: This sequence change replaces lysine, which is basic and polar, with arginine, which is basic and polar, at codon 1434 of the A2ML1 protein (p.Lys1434Arg). This variant is present in population databases (no rsID available, gnomAD 0.006%). This variant has not been reported in the literature in individuals affected with A2ML1-related conditions. ClinVar contains an entry for this variant (Variation ID: 1443045). An algorithm developed to predict the effect of missense changes on protein structure and function outputs the following: PolyPhen-2: "Benign". The arginine amino acid residue is found in multiple mammalian species, which suggests that this missense change does not adversely affect protein function. In summary, the available evidence is currently insufficient to determine the role of this variant in disease. Therefore, it has been classified as a Variant of Uncertain Significance.

Ambry Genetics
Classification: Uncertain significance. Last evaluated: 2022-03-17. Review status: criteria provided, single submitter. Criteria: Ambry Variant Classification Scheme 2023. Collection method: clinical testing. Allele origin: germline.
Comment: The p.K1434R variant (also known as c.4301A>G), located in coding exon 34 of the A2ML1 gene, results from an A to G substitution at nucleotide position 4301. The lysine at codon 1434 is replaced by arginine, an amino acid with highly similar properties. This amino acid position is conserved. In addition, this alteration is predicted to be tolerated by in silico analysis. Since supporting evidence is limited at this time, the clinical significance of this alteration remains unclear.